The following is an entry in ClinVar:

NM_015836.4(WARS2):c.231C>G (p.His77Gln)

Gene: WARS2 (tryptophanyl tRNA synthetase 2, mitochondrial; minus strand). Cytogenetic location: 1p12.
Variant type: single nucleotide variant.
Coding change: c.231C>G on transcript NM_015836.4 (MANE Select); coding-DNA position 231, C replaced by G.
Protein change: p.His77Gln; replaces histidine 77 with glutamine.
Molecular consequence: missense variant. On other transcripts: 5 prime UTR variant (1), intron variant (2).
Genome position (GRCh38, 1-based): chr1:119,076,467, G>C on the plus strand (C>G on the coding strand, the complement: WARS2 is on the minus strand). VCF-style: chr1-119076467-G-C. GRCh37 (hg19) VCF-style: chr1-119619090-G-C.
Other names: c.162C>G, p.His54Gln (NM_001378226.1, NM_001378227.1); c.-52C>G (NM_001378230.1); c.231C>G, p.His77Gln (NM_001378231.1, NM_201263.2); c.91-30805C>G (NM_001378229.1); c.177+54C>G (NM_001378228.1); short protein forms H77Q, H54Q.
Identifiers: ClinVar variation 2067136 (VCV002067136.5), dbSNP rs766501807, ClinGen allele CA1035373.

ClinVar aggregate classification (germline): Uncertain significance. Review status: criteria provided, multiple submitters, no conflicts (2 of 4 stars). 2 submissions from 2 submitters: Uncertain significance (2). Last evaluated 2024-10-08.

Allele frequency attached by ClinVar (database versions not stated): ExAC 0.00001; gnomAD 0.00001; TOPMed 0.00002.
gnomAD v4.1: 12 of 1,614,058 alleles (0.00074%); highest among the groups gnomAD compares: Non-Finnish European, 0.001%; no homozygotes.

Submissions (2):

Labcorp Genetics (formerly Invitae), Labcorp
Classification: Uncertain significance. Last evaluated: 2024-10-08. Review status: criteria provided, single submitter. Criteria: Invitae Variant Classification Sherloc (09022015). Collection method: clinical testing. Allele origin: germline.
Comment: This sequence change replaces histidine, which is basic and polar, with glutamine, which is neutral and polar, at codon 77 of the WARS2 protein (p.His77Gln). This variant is present in population databases (rs766501807, gnomAD 0.003%). This missense change has been observed in individual(s) with clinical features of WARS2-related conditions and/or leukoencephalopathy (PMID: 28905505, 33972171). ClinVar contains an entry for this variant (Variation ID: 2067136). Invitae Evidence Modeling of protein sequence and biophysical properties (such as structural, functional, and spatial information, amino acid conservation, physicochemical variation, residue mobility, and thermodynamic stability) has been performed for this missense variant. However, the output from this modeling did not meet the statistical confidence thresholds required to predict the impact of this variant on WARS2 protein function. In summary, the available evidence is currently insufficient to determine the role of this variant in disease. Therefore, it has been classified as a Variant of Uncertain Significance.

Blueprint Genetics
Classification: Uncertain significance. Last evaluated: 2024-06-20. Review status: criteria provided, single submitter. Criteria: ACMG Guidelines, 2015. Collection method: clinical testing. Allele origin: germline.

Literature cited by the submitters: PubMed 28905505 (cited by Labcorp Genetics (formerly Invitae), Labcorp); PubMed 33972171 (cited by Labcorp Genetics (formerly Invitae), Labcorp).